The following is an entry in ClinVar:

NM_000465.4(BARD1):c.782T>C (p.Leu261Pro)

Gene: BARD1 (BRCA1 associated RING domain 1; minus strand). Cytogenetic location: 2q35.
Variant type: single nucleotide variant.
Coding change: c.782T>C on transcript NM_000465.4 (MANE Select); coding-DNA position 782, T replaced by C.
Protein change: p.Leu261Pro; replaces leucine 261 with proline.
Molecular consequence: missense variant. On other transcripts: non-coding transcript variant (2), intron variant (3).
Genome position (GRCh38, 1-based): chr2:214,781,092, A>G on the plus strand (T>C on the coding strand, the complement: BARD1 is on the minus strand). VCF-style: chr2-214781092-A-G. GRCh37 (hg19) VCF-style: chr2-215645816-A-G.
Other names: c.725T>C, p.Leu242Pro (NM_001282543.2); c.158+28320T>C (NM_001282548.2); c.215+15969T>C (NM_001282545.2); c.364+11205T>C (NM_001282549.2); short protein forms L261P, L242P.
Identifiers: ClinVar variation 862504 (VCV000862504.12), dbSNP rs1275950974, ClinGen allele CA350455799.

ClinVar aggregate classification (germline): Uncertain significance. Review status: criteria provided, multiple submitters, no conflicts (2 of 4 stars). 3 submissions from 3 submitters: Uncertain significance (3). Last evaluated 2023-10-19.

Conditions:
Hereditary cancer-predisposing syndrome. Also called: Tumor predisposition; Hereditary neoplastic syndrome; Neoplastic Syndromes, Hereditary; Hereditary Cancer Syndrome. Identifiers: Orphanet 140162, MedGen C0027672, MeSH D009386, MONDO:0015356.
Familial cancer of breast. Also called: hereditary breast carcinoma; Hereditary breast cancer; BREAST CANCER, FAMILIAL. Identifiers: Orphanet 227535, MedGen C0346153, MONDO:0016419, OMIM 114480. Disease mechanism: loss of function.

Allele frequency attached by ClinVar (database versions not stated): gnomAD exomes below 0.00001; TOPMed 0.00001.

Submissions (3):

Ambry Genetics
Classification: Uncertain significance for Hereditary cancer-predisposing syndrome. Last evaluated: 2023-10-19. Review status: criteria provided, single submitter. Criteria: Ambry Variant Classification Scheme 2023. Collection method: clinical testing. Allele origin: germline.
Comment: The p.L261P variant (also known as c.782T>C), located in coding exon 4 of the BARD1 gene, results from a T to C substitution at nucleotide position 782. The leucine at codon 261 is replaced by proline, an amino acid with similar properties. This variant was observed in an individual with early onset-breast cancer amongst a cohort of 1781 non-Ashkenazi Jewish individuals undergoing BRCA1/2 gene testing based on a personal history of breast cancer (Tung N et al. Cancer, 2015 Jan;121:25-33). This amino acid position is well conserved in available vertebrate species. In addition, this alteration is predicted to be deleterious by in silico analysis. Since supporting evidence is limited at this time, the clinical significance of this alteration remains unclear.

Labcorp Genetics (formerly Invitae), Labcorp
Classification: Uncertain significance for Familial cancer of breast. Last evaluated: 2022-06-09. Review status: criteria provided, single submitter. Criteria: Invitae Variant Classification Sherloc (09022015). Collection method: clinical testing. Allele origin: germline.
Comment: In summary, the available evidence is currently insufficient to determine the role of this variant in disease. Therefore, it has been classified as a Variant of Uncertain Significance. Algorithms developed to predict the effect of missense changes on protein structure and function (SIFT, PolyPhen-2, Align-GVGD) all suggest that this variant is likely to be tolerated. ClinVar contains an entry for this variant (Variation ID: 862504). This variant has not been reported in the literature in individuals affected with BARD1-related conditions. This variant is present in population databases (no rsID available, gnomAD 0.003%). This sequence change replaces leucine, which is neutral and non-polar, with proline, which is neutral and non-polar, at codon 261 of the BARD1 protein (p.Leu261Pro).

GeneDx
Classification: Uncertain significance. Last evaluated: 2022-06-07. Review status: criteria provided, single submitter. Criteria: GeneDx Variant Classification Process June 2021. Collection method: clinical testing. Allele origin: germline. Affected: yes.
Comment: Not observed at significant frequency in large population cohorts (gnomAD); In silico analysis supports that this missense variant does not alter protein structure/function; Has not been previously published as pathogenic or benign to our knowledge

Literature cited by the submitters: PubMed 25186627 (cited by Ambry Genetics).